The following is an entry in ClinVar:

NM_020461.4(TUBGCP6):c.2010A>G (p.Gln670=)

Gene: TUBGCP6 (tubulin gamma complex component 6; minus strand). Cytogenetic location: 22q13.33.
Variant type: single nucleotide variant.
Coding change: c.2010A>G on transcript NM_020461.4 (MANE Select); coding-DNA position 2010, A replaced by G.
Protein change: p.Gln670=; no amino-acid change (glutamine 670 retained).
Molecular consequence: synonymous variant.
Genome position (GRCh38, 1-based): chr22:50,224,566, T>C on the plus strand (A>G on the coding strand, the complement: TUBGCP6 is on the minus strand). VCF-style: chr22-50224566-T-C. GRCh37 (hg19) VCF-style: chr22-50662995-T-C.
Identifiers: ClinVar variation 1468993 (VCV001468993.10), dbSNP rs142480840, ClinGen allele CA10308404.
Genomic context (GRCh38, chr22:50,224,566, plus strand): 5'-CTCACCACTCAGTGCACTCAGGACCCTGGATGCTGCTTCCCGGGCATGAGCGATTAATTC[T>C]TGTTTTGCAATTTCCATACGTAATTCCTGAGAAAGACAACTGGTAATCAAAGCATCCTGG-3'
Protein context (NP_065194.3, residues 660-680): EKELRMEIAK[Gln670=]ELIAHAREAA

ClinVar aggregate classification (germline): Likely benign. Review status: criteria provided, multiple submitters, no conflicts (2 of 4 stars). 2 submissions from 2 submitters: Likely benign (2). Last evaluated 2026-05-01.

Allele frequency attached by ClinVar (database versions not stated): gnomAD exomes 0.00001 and 0.00002; ExAC 0.00002; TOPMed 0.00002; gnomAD 0.00003 and 0.00004; ESP Exome Variant Server 0.00008.
gnomAD v4.1: 28 of 1,614,112 alleles (0.0017%); highest among the groups gnomAD compares: East Asian, 0.0089%; no homozygotes.

Submissions (2):

CeGaT Center for Human Genetics Tuebingen
Classification: Likely benign. Last evaluated: 2026-05-01. Review status: criteria provided, single submitter. Criteria: CeGaT Center For Human Genetics Tuebingen Variant Classification Criteria Version 2. Collection method: clinical testing. Allele origin: germline. Affected: yes. Observed: 1 variant allele.
Comment: TUBGCP6: BP4, BP7

Labcorp Genetics (formerly Invitae), Labcorp
Classification: Likely benign. Last evaluated: 2024-05-30. Review status: criteria provided, single submitter. Criteria: Invitae Variant Classification Sherloc (09022015). Collection method: clinical testing. Allele origin: germline.